The following is an entry in ClinVar:

NM_005359.6(SMAD4):c.490C>T (p.His164Tyr)

Gene: SMAD4 (SMAD family member 4; plus strand). Cytogenetic location: 18q21.2.
Variant type: single nucleotide variant.
Coding change: c.490C>T on transcript NM_005359.6 (MANE Select); coding-DNA position 490, C replaced by T.
Protein change: p.His164Tyr; replaces histidine 164 with tyrosine.
Molecular consequence: missense variant. On other transcripts: non-coding transcript variant (2).
Genome position (GRCh38, 1-based): chr18:51,054,816, C>T. VCF-style: chr18-51054816-C-T. GRCh37 (hg19) VCF-style: chr18-48581186-C-T.
Other names: c.490C>T, p.His164Tyr (NM_001407041.1, NM_001407042.1, NM_001407043.1); short protein forms H164Y.
Identifiers: ClinVar variation 3445843 (VCV003445843.1).

ClinVar aggregate classification (germline): Uncertain significance (1 of 4 stars; one submission).

Conditions:
Familial thoracic aortic aneurysm and aortic dissection (TAAD). Also called: Thoracic aortic aneurysms and dissections. Identifiers: Orphanet 91387, MedGen C4707243, MONDO:0019625.
Hereditary cancer-predisposing syndrome. Also called: Tumor predisposition; Neoplastic Syndromes, Hereditary; Hereditary neoplastic syndrome; Hereditary Cancer Syndrome. Identifiers: Orphanet 140162, MedGen C0027672, MeSH D009386, MONDO:0015356.

Submission:

Ambry Genetics
Classification: Uncertain significance for Hereditary cancer-predisposing syndrome; Familial thoracic aortic aneurysm and aortic dissection. Last evaluated: 2024-07-24. Review status: criteria provided, single submitter. Criteria: Ambry Variant Classification Scheme 2023. Collection method: clinical testing. Allele origin: germline.
Comment: The p.H164Y variant (also known as c.490C>T), located in coding exon 4 of the SMAD4 gene, results from a C to T substitution at nucleotide position 490. The histidine at codon 164 is replaced by tyrosine, an amino acid with similar properties. This amino acid position is conserved. In addition, the in silico prediction for this alteration is inconclusive. Based on the available evidence, the clinical significance of this variant remains unclear.